The following is an entry in ClinVar:

NM_007294.4(BRCA1):c.5153-4T>A

Gene: BRCA1 (BRCA1 DNA repair associated; minus strand). Cytogenetic location: 17q21.31.
Variant type: single nucleotide variant.
Coding change: c.5153-4T>A on transcript NM_007294.4 (MANE Select); 4 bases into the intron before coding-DNA position 5153, T replaced by A.
Molecular consequence: intron variant.
Genome position (GRCh38, 1-based): chr17:43,063,377, A>T on the plus strand (T>A on the coding strand, the complement: BRCA1 is on the minus strand). VCF-style: chr17-43063377-A-T. GRCh37 (hg19) VCF-style: chr17-41215394-A-T.
Other names: c.5144-4T>A (NM_001407644.1, NM_001407645.1); c.5147-4T>A (NM_001407627.1, NM_001407861.1, NM_001407635.1 and 14 more transcripts); c.5150-4T>A (NM_001407614.1, NM_001407626.1, NM_001407617.1 and 17 more transcripts); c.5216-4T>A (NM_001407587.1, NM_001407585.1, NM_007300.4 and 1 more transcripts); c.1604-4T>A (NM_001408494.1); c.1718-4T>A (NM_001408444.1, NM_001408438.1, NM_001408432.1 and 10 more transcripts); c.1721-4T>A (NM_001408430.1, NM_001408427.1, NM_001408431.1 and 4 more transcripts); c.5024-4T>A (NM_001407682.1, NM_001407689.1, NM_001407681.1 and 6 more transcripts); and 72 more.
Identifiers: ClinVar variation 867743 (VCV000867743.3), dbSNP rs2051873522, ClinGen allele CA916080046.
Genomic context (GRCh38, chr17:43,063,377, plus strand): 5'-AACATCAAGTACTTACCTCATTCAGCATTTTTCTTTCTTTAATAGACTGGGTCACCCCTA[A>T]AGAGATCATAGAAAAGACAGGTTACATACAGCAGAAGAACGTGCTCTTTTCACGGAGATA-3'

Conditions:
Breast-ovarian cancer, familial, susceptibility to, 1 (BROVCA1). Also called: BRCA1 Hereditary Breast and Ovarian Cancer; OVARIAN CANCER, SUSCEPTIBILITY TO. Identifiers: Orphanet 145, MedGen C2676676, MONDO:0011450, OMIM 604370. Disease mechanism: loss of function.

Submission:

Brotman Baty Institute, University of Washington
No classification provided (evidence only). Condition: Breast-ovarian cancer, familial 1. Review status: no classification provided. Collection method: in vitro. Allele origin: not applicable. Functional consequence: functionally_normal.
ClinVar note: "not provided" was previously submitted as the classification for the variant. However, the classification appeared to be based only on an observation of functional data so it was converted to no classification on 2025-07-30.